The following is an entry in ClinVar:

ClinVar aggregate classification (germline): Likely benign. Review status: criteria provided, multiple submitters, no conflicts (2 of 4 stars). 4 submissions from 4 submitters: Likely benign (3). 1 of the submissions does not count toward it. Last evaluated 2025-12-01.

Conditions:
PLEKHG5-related disorder. Also called: PLEKHG5-related condition.

Allele frequency attached by ClinVar (database versions not stated): 1000 Genomes Project 30x 0.00031; 1000 Genomes Project 0.00040; ExAC 0.00046; gnomAD exomes 0.00099.

Submissions (4):

CeGaT Center for Human Genetics Tuebingen
Classification: Likely benign. Last evaluated: 2025-12-01. Review status: criteria provided, single submitter. Criteria: CeGaT Center For Human Genetics Tuebingen Variant Classification Criteria Version 2. Collection method: clinical testing. Allele origin: germline. Affected: yes. Observed: 1 variant allele.
Comment: PLEKHG5: BS1

PreventionGenetics, part of Exact Sciences
Classification: Likely benign for PLEKHG5-related condition. Last evaluated: 2025-05-28. Review status: criteria provided, single submitter. Criteria: ACMG Guidelines, 2015. Collection method: clinical testing. Allele origin: germline.
Comment: This variant is classified as likely benign based on ACMG/AMP sequence variant interpretation guidelines (Richards et al. 2015 PMID: 25741868, with internal and published modifications).

ARUP Laboratories, Molecular Genetics and Genomics, ARUP Laboratories
Classification: Likely benign. Last evaluated: 2020-12-02. Review status: criteria provided, single submitter. Criteria: ARUP Molecular Germline Variant Investigation Process 2021. Collection method: clinical testing. Allele origin: germline.

Department of Pathology and Laboratory Medicine, Sinai Health System
Classification: Uncertain significance. Review status: no assertion criteria provided. Collection method: clinical testing. Allele origin: unknown. Affected: yes. Study: The Canadian Open Genetics Repository (COGR). Not counted in ClinVar's aggregate classification.
Comment: The PLEKHG5 p.Gly32Ser variant was not identified in the literature nor was it identified in ClinVar or LOVD 3.0. The variant was identified in dbSNP (ID: rs554689677) and was identified in control databases in 74 of 74640 chromosomes at a frequency of 0.0009914 (Genome Aggregation Database March 6, 2019, v2.1.1). The variant was observed in the following populations: European (non-Finnish) in 54 of 30898 chromosomes (freq: 0.001748), Latino in 12 of 8790 chromosomes (freq: 0.001365), African in 4 of 9128 chromosomes (freq: 0.000438), Other in 1 of 2360 chromosomes (freq: 0.000424), South Asian in 2 of 10680 chromosomes (freq: 0.000187) and European (Finnish) in 1 of 6326 chromosomes (freq: 0.000158), but was not observed in the Ashkenazi Jewish, or East Asian populations. The p.Gly32 residue is conserved across mammals and other organisms however four out of five computational analyses (PolyPhen-2, SIFT, AlignGVGD, BLOSUM, MutationTaster) do not suggest a high likelihood of impact to the protein; this information is not predictive enough to rule out pathogenicity. The variant occurs outside of the splicing consensus sequence and in silico or computational prediction software programs (SpliceSiteFinder, MaxEntScan, NNSPLICE, GeneSplicer) do not predict a difference in splicing. In summary, based on the above information the clinical significance of this variant cannot be determined with certainty at this time. This variant is classified as a variant of uncertain significance.

NM_020631.6(PLEKHG5):c.-88+6287G>A

Gene: PLEKHG5 (pleckstrin homology and RhoGEF domain containing G5; minus strand). Cytogenetic location: 1p36.31.
Variant type: single nucleotide variant.
Coding change: c.-88+6287G>A on transcript NM_020631.6 (MANE Select); 6287 bases into the intron after 88 bases upstream of the start codon, G replaced by A.
Molecular consequence: intron variant. On other transcripts: missense variant (1).
Genome position (GRCh38, 1-based): chr1:6,485,350, C>T on the plus strand (G>A on the coding strand, the complement: PLEKHG5 is on the minus strand). VCF-style: chr1-6485350-C-T. GRCh37 (hg19) VCF-style: chr1-6545410-C-T.
Other names: c.94G>A, p.Gly32Ser (NM_001265593.2); c.-87-7692G>A (NM_198681.4); c.25-7692G>A (NM_001042663.3, NM_001265592.2); c.-88+5095G>A (NM_001265594.3, NM_001042664.2); c.-88+486G>A (NM_001042665.2); short protein forms G32S.
Identifiers: ClinVar variation 1049375 (VCV001049375.14), dbSNP rs554689677, ClinGen allele CA562084.